The following is an entry in ClinVar:

NM_001292063.2(OTOG):c.6482T>A (p.Met2161Lys)

Gene: OTOG (otogelin; plus strand). Cytogenetic location: 11p15.1.
Variant type: single nucleotide variant.
Coding change: c.6482T>A on transcript NM_001292063.2 (MANE Select); coding-DNA position 6482, T replaced by A.
Protein change: p.Met2161Lys; replaces methionine 2161 with lysine.
Molecular consequence: missense variant.
Genome position (GRCh38, 1-based): chr11:17,613,655, T>A. VCF-style: chr11-17613655-T-A. GRCh37 (hg19) VCF-style: chr11-17635202-T-A.
Other names: c.6518T>A, p.Met2173Lys (NM_001277269.2); short protein forms M2161K, M2173K.
Identifiers: ClinVar variation 5017191 (VCV005017191.1).

ClinVar aggregate classification (germline): Uncertain significance (1 of 4 stars; one submission).

Submission:

GeneDx
Classification: Uncertain significance. Last evaluated: 2026-03-31. Review status: criteria provided, single submitter. Criteria: GeneDx Variant Classification Process June 2021. Collection method: clinical testing. Allele origin: germline.
Comment: Not observed at significant frequency in large population cohorts (gnomAD); In silico analysis supports that this missense variant has a deleterious effect on protein structure/function; Has not been previously published as pathogenic or benign to our knowledge